The following is an entry in ClinVar:

ClinVar aggregate classification (germline): Uncertain significance (1 of 4 stars; one submission).

Submission:

GeneDx
Classification: Uncertain significance. Last evaluated: 2026-03-22. Review status: criteria provided, single submitter. Criteria: GeneDx Variant Classification Process June 2021. Collection method: clinical testing. Allele origin: germline.
Comment: Not observed at significant frequency in large population cohorts (gnomAD); In-frame deletion of 4 amino acids in a non-repeat region; In silico analysis suggests that this variant does not alter protein structure/function; Has not been previously published as pathogenic or benign to our knowledge

NM_001356.5(DDX3X):c.1945_1956del (p.Gly649_Tyr652del)

Gene: DDX3X (DEAD-box helicase 3 X-linked; plus strand). Cytogenetic location: Xp11.4.
Variant type: Deletion.
Coding change: c.1945_1956del on transcript NM_001356.5 (MANE Select); coding-DNA positions 1945 to 1956, 12 bases deleted (GGAGGAAATTAT).
Protein change: p.Gly649_Tyr652del.
Molecular consequence: non-coding transcript variant (on NR_126093.1).
Genome position (GRCh38, 1-based): chrX:41,347,675-41,347,686, GGAGGAAATTAT deleted; deleting any 12 consecutive bases within chrX:41,347,672-41,347,686 gives the same sequence; the c. name uses the placement nearest the transcript's 3' end. VCF-style (leftmost placement, unchanged base first): chrX-41347671-ATATGGAGGAAAT-A. GRCh37 (hg19) VCF-style: chrX-41206924-ATATGGAGGAAAT-A.
Other names: c.1942_1953del, p.Gly648_Tyr651del (NM_001193416.3); c.1897_1908del, p.Gly633_Tyr636del (NM_001193417.3); c.1384_1395del, p.Gly462_Tyr465del (NM_001363819.1).
Identifiers: ClinVar variation 5016850 (VCV005016850.1).
Genomic context (GRCh38, chrX:41,347,671, plus strand): 5'-TTTCTCTCTCTTTTTAAATCTCTCATTAGGTGGCTATGGAGGCTTTTACAACAGTGATGG[ATATGGAGGAAAT>A]TATAACTCCCAGGGGGTTGACTGGTGGGGTAACTGAGCCTGCTTTGCAGTAGGTCACCCT-3'